The following is an entry in ClinVar:

ClinVar aggregate classification (germline): Uncertain significance. Review status: criteria provided, multiple submitters, no conflicts (2 of 4 stars). 2 submissions from 2 submitters: Uncertain significance (2). Last evaluated 2026-06-12.

Conditions:
Wiedemann-Steiner syndrome (WDSTS). Also called: Growth deficiency and mental retardation with facial dysmorphism. Identifiers: Orphanet 319182, MedGen C1854630, MONDO:0011518, OMIM 605130.

Allele frequency attached by ClinVar (database versions not stated): gnomAD exomes below 0.00001.
gnomAD v4.1: 1 of 1,614,116 alleles (0.000062%); no homozygotes.

Submissions (2):

Women's Health and Genetics/Laboratory Corporation of America, LabCorp
Classification: Uncertain significance. Last evaluated: 2026-06-12. Review status: criteria provided, single submitter. Criteria: LabCorp Variant Classification Summary - May 2015. Collection method: clinical testing. Allele origin: germline.
Comment: Variant summary: KMT2A c.7706G>C (p.Gly2569Ala) results in a non-conservative amino acid change in the encoded protein sequence. Algorithms developed to predict the effect of missense changes on protein structure and function are either unavailable or do not agree on the potential impact of this missense change. The variant was absent in 251418 control chromosomes. The available data on variant occurrences in the general population are insufficient to allow any conclusion about variant significance. To our knowledge, no occurrence of c.7706G>C in individuals affected with KMT2A-related conditions and no experimental evidence demonstrating its impact on protein function have been reported. ClinVar contains an entry for this variant (Variation ID: 977359). Based on the evidence outlined above, the variant was classified as uncertain significance.

New York Genome Center
Classification: Uncertain significance for Wiedemann-Steiner syndrome. Last evaluated: 2020-02-25. Review status: criteria provided, single submitter. Criteria: NYGC Assertion Criteria 2020. Collection method: clinical testing. Allele origin: inherited. Observed: 1 heterozygote. Study: CSER-NYCKidSeq.

NM_001197104.2(KMT2A):c.7706G>C (p.Gly2569Ala)

Gene: KMT2A (lysine methyltransferase 2A; plus strand). Cytogenetic location: 11q23.3.
Variant type: single nucleotide variant.
Coding change: c.7706G>C on transcript NM_001197104.2 (MANE Select); coding-DNA position 7706, G replaced by C.
Protein change: p.Gly2569Ala; replaces glycine 2569 with alanine.
Molecular consequence: missense variant.
Genome position (GRCh38, 1-based): chr11:118,503,598, G>C. VCF-style: chr11-118503598-G-C. GRCh37 (hg19) VCF-style: chr11-118374313-G-C.
Other names: c.7697G>C, p.Gly2566Ala (NM_005933.4); short protein forms G2566A, G2569A.
Identifiers: ClinVar variation 977359 (VCV000977359.4), dbSNP rs1854349115, ClinGen allele CA382806656.